The following is an entry in ClinVar:

ClinVar aggregate classification (germline): Likely benign. Review status: criteria provided, multiple submitters, no conflicts (2 of 4 stars). 2 submissions from 2 submitters: Likely benign (2). Last evaluated 2022-12-06.

Conditions:
Emery-Dreifuss muscular dystrophy 4, autosomal dominant (EDMD4). Also called: EMERY-DREIFUSS MUSCULAR DYSTROPHY 4 WITH VARIABLE FEATURES. Identifiers: Orphanet 261, MedGen C2751807, MONDO:0013071, OMIM 612998.
Autosomal recessive ataxia, Beauce type. Also called: Spinocerebellar ataxia, autosomal recessive 8; ATAXIA, RECESSIVE, OF BEAUCE; SYNE1-Related Autosomal Recessive Cerebellar Ataxia; SYNE1 Deficiency. Identifiers: Orphanet 88644, MedGen C1853116, MONDO:0012549, OMIM 610743.

Allele frequency attached by ClinVar (database versions not stated): gnomAD 0.00001; ExAC 0.00003; gnomAD exomes 0.00003 and 0.00004; TOPMed 0.00003; ESP Exome Variant Server 0.00008.
gnomAD v4.1: 58 of 1,613,272 alleles (0.0036%); highest among the groups gnomAD compares: Middle Eastern, 0.016%; no homozygotes.

Submissions (2):

Labcorp Genetics (formerly Invitae), Labcorp
Classification: Likely benign for Emery-Dreifuss muscular dystrophy 4, autosomal dominant; Autosomal recessive ataxia, Beauce type. Last evaluated: 2022-12-06. Review status: criteria provided, single submitter. Criteria: Invitae Variant Classification Sherloc (09022015). Collection method: clinical testing. Allele origin: germline.

GeneDx
Classification: Likely benign. Last evaluated: 2018-05-07. Review status: criteria provided, single submitter. Criteria: GeneDx Variant Classification (06012015). Collection method: clinical testing. Allele origin: germline. Affected: yes.
Comment: This variant is considered likely benign or benign based on one or more of the following criteria: it is a conservative change, it occurs at a poorly conserved position in the protein, it is predicted to be benign by multiple in silico algorithms, and/or has population frequency not consistent with disease.

NM_182961.4(SYNE1):c.22824+19T>C

Gene: SYNE1 (spectrin repeat containing nuclear envelope protein 1; minus strand). Cytogenetic location: 6q25.2.
Variant type: single nucleotide variant.
Coding change: c.22824+19T>C on transcript NM_182961.4 (MANE Select); 19 bases into the intron after coding-DNA position 22824, T replaced by C.
Molecular consequence: intron variant.
Genome position (GRCh38, 1-based): chr6:152,207,953, A>G on the plus strand (T>C on the coding strand, the complement: SYNE1 is on the minus strand). VCF-style: chr6-152207953-A-G. GRCh37 (hg19) VCF-style: chr6-152529088-A-G.
Other names: c.22611+19T>C (NM_033071.5).
Identifiers: ClinVar variation 668183 (VCV000668183.8), dbSNP rs367932651, ClinGen allele CA4053792.